The following is an entry in ClinVar:

NM_000350.3(ABCA4):c.1556G>A (p.Cys519Tyr)

Gene: ABCA4 (ATP binding cassette subfamily A member 4; minus strand). Cytogenetic location: 1p22.1.
Variant type: single nucleotide variant.
Coding change: c.1556G>A on transcript NM_000350.3 (MANE Select); coding-DNA position 1556, G replaced by A.
Protein change: p.Cys519Tyr; replaces cysteine 519 with tyrosine.
Molecular consequence: missense variant.
Genome position (GRCh38, 1-based): chr1:94,063,316, C>T on the plus strand (G>A on the coding strand, the complement: ABCA4 is on the minus strand). VCF-style: chr1-94063316-C-T. GRCh37 (hg19) VCF-style: chr1-94528872-C-T.
Other names: c.1556G>A, p.Cys519Tyr (NM_001425324.1); short protein forms C519Y.
Identifiers: ClinVar variation 3704356 (VCV003704356.2).

ClinVar aggregate classification (germline): Uncertain significance (1 of 4 stars; one submission).

Submission:

Labcorp Genetics (formerly Invitae), Labcorp
Classification: Uncertain significance. Last evaluated: 2024-06-09. Review status: criteria provided, single submitter. Criteria: Invitae Variant Classification Sherloc (09022015). Collection method: clinical testing. Allele origin: germline.
Comment: This sequence change replaces cysteine, which is neutral and slightly polar, with tyrosine, which is neutral and polar, at codon 519 of the ABCA4 protein (p.Cys519Tyr). This variant is not present in population databases (gnomAD no frequency). This missense change has been observed in individual(s) with Stargardt disease (PMID: 30060493, 35120629; Invitae). An algorithm developed to predict the effect of missense changes on protein structure and function (PolyPhen-2) suggests that this variant is likely to be disruptive. This variant disrupts the p.Cys519 amino acid residue in ABCA4. Other variant(s) that disrupt this residue have been observed in individuals with ABCA4-related conditions (PMID: 31934596), which suggests that this may be a clinically significant amino acid residue. In summary, the available evidence is currently insufficient to determine the role of this variant in disease. Therefore, it has been classified as a Variant of Uncertain Significance.

Literature cited by the submitters: PubMed 30060493; PubMed 35120629; PubMed 31934596.